The following is an entry in ClinVar:

NM_014727.3(KMT2B):c.601C>G (p.Gln201Glu)

Gene: KMT2B (lysine methyltransferase 2B; plus strand). Cytogenetic location: 19q13.12.
Variant type: single nucleotide variant.
Coding change: c.601C>G on transcript NM_014727.3 (MANE Select); coding-DNA position 601, C replaced by G.
Protein change: p.Gln201Glu; replaces glutamine 201 with glutamic acid.
Molecular consequence: missense variant.
Genome position (GRCh38, 1-based): chr19:35,719,948, C>G. VCF-style: chr19-35719948-C-G. GRCh37 (hg19) VCF-style: chr19-36210850-C-G.
Other names: short protein forms Q201E.
Identifiers: ClinVar variation 2505768 (VCV002505768.1), dbSNP rs201597731, ClinGen allele CA9384070.

ClinVar aggregate classification (germline): Uncertain significance (1 of 4 stars; one submission).

Allele frequency attached by ClinVar (database versions not stated): gnomAD exomes below 0.00001; ExAC 0.00001; gnomAD 0.00001; TOPMed 0.00001; 1000 Genomes Project 30x 0.00016; 1000 Genomes Project 0.00020.
gnomAD v4.1: 2 of 1,613,420 alleles (0.00012%); highest among the groups gnomAD compares: African/African-American, 0.0027%; no homozygotes.

Submission:

GeneDx
Classification: Uncertain significance. Last evaluated: 2022-12-16. Review status: criteria provided, single submitter. Criteria: GeneDx Variant Classification Process June 2021. Collection method: clinical testing. Allele origin: germline. Affected: yes.
Comment: In silico analysis supports that this missense variant does not alter protein structure/function; Has not been previously published as pathogenic or benign to our knowledge